The following is an entry in ClinVar:

NM_003051.4(SLC16A1):c.499del (p.Val167fs)

Gene: SLC16A1 (solute carrier family 16 member 1; minus strand). Cytogenetic location: 1p13.2.
Variant type: Deletion.
Coding change: c.499del on transcript NM_003051.4 (MANE Select); coding-DNA position 499, one base deleted (G; older notation c.499delG).
Protein change: p.Val167fs; shifts the reading frame from valine 167.
Molecular consequence: frameshift variant.
Genome position (GRCh38, 1-based): chr1:112,917,907, C deleted on the plus strand (G on the coding strand, the reverse complement: SLC16A1 is on the minus strand); the first of 2 consecutive C bases (chr1:112,917,907-112,917,908); deleting either gives the same sequence. VCF-style (leftmost placement, unchanged base first): chr1-112917906-AC-A. GRCh37 (hg19) VCF-style: chr1-113460528-AC-A.
Other names: c.499del, p.Val167fs (NM_001166496.2); short protein forms V167fs.
Identifiers: ClinVar variation 158083 (VCV000158083.3), dbSNP rs606231301, ClinGen allele CA171491.
Genomic context (GRCh38, chr1:112,917,906, plus strand): 5'-TTTAGTAGCAAGCCCCCAAGAATTAGAAAGCTTCCTCTCCATCCAAAGATACCGAAGAAA[AC>A]CTGATTGAGGGGGGCCAGAGTACAGAGGAACACAGGGCTGCCTGCCATGGCCAGTCCGTT-3'

ClinVar aggregate classification (germline): Pathogenic/Likely pathogenic. Review status: criteria provided, multiple submitters, no conflicts (2 of 4 stars). 3 submissions from 3 submitters: Pathogenic (1); Likely pathogenic (1). 1 of the submissions does not count toward it. Last evaluated 2025-06-11.

Conditions:
Monocarboxylate transporter 1 deficiency, autosomal dominant. Identifiers: MedGen C4016684.

Submissions (3):

Labcorp Genetics (formerly Invitae), Labcorp
Classification: Pathogenic. Last evaluated: 2025-06-11. Review status: criteria provided, single submitter. Criteria: Invitae Variant Classification Sherloc (09022015). Collection method: clinical testing. Allele origin: germline.
Comment: This sequence change creates a premature translational stop signal (p.Val167Phefs*13) in the SLC16A1 gene. It is expected to result in an absent or disrupted protein product. Loss-of-function variants in SLC16A1 are known to be pathogenic (PMID: 25390740). The frequency data for this variant in the population databases is considered unreliable, as metrics indicate poor data quality at this position in the gnomAD database. This premature translational stop signal has been observed in individual(s) with monocarboxylate transporter 1 deficiency (PMID: 25390740). ClinVar contains an entry for this variant (Variation ID: 158083). For these reasons, this variant has been classified as Pathogenic.

GeneDx
Classification: Likely pathogenic. Last evaluated: 2022-09-23. Review status: criteria provided, single submitter. Criteria: GeneDx Variant Classification Process June 2021. Collection method: clinical testing. Allele origin: germline. Affected: yes.
Comment: Identified as heterozygous in a child with multiple episodes of ketotic hypoglycemia, ketoacidosis, and ketonuria in published literature (van Hasselt et al., 2014); Frameshift variant predicted to result in protein truncation or nonsense mediated decay in a gene for which loss of function is a known mechanism of disease; Not observed at significant frequency in large population cohorts (gnomAD); This variant is associated with the following publications: (PMID: 25390740)

OMIM
Classification: Pathogenic for MONOCARBOXYLATE TRANSPORTER 1 DEFICIENCY, AUTOSOMAL DOMINANT. Last evaluated: 2014-11-13. Review status: no assertion criteria provided. Collection method: literature only. Allele origin: germline. Not counted in ClinVar's aggregate classification.

Literature cited by the submitters: PubMed 25390740 (cited by Labcorp Genetics (formerly Invitae), Labcorp); van Hasselt, P. M., Ferdinandusse, S., Monroe, G. R., Ruiter, J. P. N., Turkenburg, M., Geerlings, M. J., Duran, K., Harakalova, M., van der Zwaag, B., Monavari, A. A., Okur, I., Sharrard, M. J., and 11 others Monocarboxylate transporter 1 deficiency and ketone utilization. New Eng. J. Med. 371: 1900-1907, 2014. (cited by OMIM).